The following is an entry in ClinVar:

ClinVar aggregate classification (germline): Likely pathogenic. Review status: criteria provided, multiple submitters, no conflicts (2 of 4 stars). 2 submissions from 2 submitters: Likely pathogenic (2). Last evaluated 2025-05-22.

Conditions:
Retinitis pigmentosa 26 (RP26). Identifiers: Orphanet 791, MedGen C1842127, MONDO:0012024, OMIM 608380.

Submissions (2):

Natera, Inc.
Classification: Likely pathogenic for Retinitis Pigmentosa 26. Last evaluated: 2025-05-22. Review status: criteria provided, single submitter. Criteria: Natera Variant Classification Schema (03/2026). Collection method: clinical testing. Allele origin: germline.
Comment: The c.773del variant in CERKL is a frameshift variant predicted to shift the reading frame beginning at codon 258 and leads to a stop codon 8 codons downstream. This variant is expected to result in nonsense mediated decay, truncation, or a dysfunctional protein product. This variant is rare in the general population with a frequency below the threshold expected for the associated phenotype(s). Given the available evidence, this variant is classified as Likely Pathogenic.

Genomic Medicine Center of Excellence, King Faisal Specialist Hospital and Research Centre
Classification: Likely pathogenic for Retinitis pigmentosa 26. Last evaluated: 2024-09-22. Review status: criteria provided, single submitter. Criteria: ACMG Guidelines, 2015. Collection method: clinical testing. Allele origin: germline.

NM_201548.5(CERKL):c.695del (p.Gly232fs)

Gene: CERKL (CERK like autophagy regulator; minus strand). Cytogenetic location: 2q31.3.
Variant type: Deletion.
Coding change: c.695del on transcript NM_201548.5 (MANE Select); coding-DNA position 695, one base deleted (G; older notation c.695delG).
Protein change: p.Gly232fs; shifts the reading frame from glycine 232.
Molecular consequence: frameshift variant. On other transcripts: non-coding transcript variant (2), intron variant (2).
Genome position (GRCh38, 1-based): chr2:181,558,691, C deleted on the plus strand (G on the coding strand, the reverse complement: CERKL is on the minus strand); the first of 2 consecutive C bases (chr2:181,558,691-181,558,692); deleting either gives the same sequence. VCF-style (leftmost placement, unchanged base first): chr2-181558690-TC-T. GRCh37 (hg19) VCF-style: chr2-182423417-TC-T.
Other names: c.482-8983del (NM_001030312.3); c.614-8983del (NM_001030313.3); c.773del, p.Gly258fs (NM_001030311.3); c.641del, p.Gly214fs (NM_001160277.2); c.773del (NM_001030311.2); short protein forms G214fs, G232fs, G258fs.
Identifiers: ClinVar variation 3362593 (VCV003362593.3).